The following is an entry in ClinVar:

ClinVar aggregate classification (germline): Likely benign (1 of 4 stars; one submission).

Allele frequency attached by ClinVar (database versions not stated): gnomAD exomes 0.00026; ExAC 0.00071; 1000 Genomes Project 30x 0.00187; 1000 Genomes Project 0.00200; gnomAD 0.00267; TOPMed 0.00291; ESP Exome Variant Server 0.00300.
gnomAD v4.1: 807 of 1,613,194 alleles (0.05%); highest among the groups gnomAD compares: African/African-American, 0.95%; 14 homozygotes.

Submission:

CeGaT Center for Human Genetics Tuebingen
Classification: Likely benign. Last evaluated: 2023-05-01. Review status: criteria provided, single submitter. Criteria: CeGaT Center For Human Genetics Tuebingen Variant Classification Criteria Version 2. Collection method: clinical testing. Allele origin: germline. Affected: yes. Observed: 1 variant allele.
Comment: AHNAK2: BP4, BP7, BS2

NM_138420.4(AHNAK2):c.2428C>T (p.Leu810=)

Gene: AHNAK2 (AHNAK nucleoprotein 2; minus strand). Cytogenetic location: 14q32.33.
Variant type: single nucleotide variant.
Coding change: c.2428C>T on transcript NM_138420.4 (MANE Select); coding-DNA position 2428, C replaced by T.
Protein change: p.Leu810=; no amino-acid change (leucine 810 retained).
Molecular consequence: synonymous variant.
Genome position (GRCh38, 1-based): chr14:104,953,023, G>A on the plus strand (C>T on the coding strand, the complement: AHNAK2 is on the minus strand). VCF-style: chr14-104953023-G-A. GRCh37 (hg19) VCF-style: chr14-105419360-G-A.
Other names: c.2128C>T, p.Leu710= (NM_001350929.2).
Identifiers: ClinVar variation 2644881 (VCV002644881.24), dbSNP rs371935670, ClinGen allele CA7383516.